The following is an entry in ClinVar:

ClinVar aggregate classification (germline): Uncertain significance (1 of 4 stars; one submission).

Submission:

Women's Health and Genetics/Laboratory Corporation of America, LabCorp
Classification: Uncertain significance. Last evaluated: 2026-03-13. Review status: criteria provided, single submitter. Criteria: LabCorp Variant Classification Summary - May 2015. Collection method: clinical testing. Allele origin: germline.
Comment: Variant summary: IGHMBP2 c.1591C>T (p.Pro531Ser) results in a non-conservative amino acid change in the encoded protein sequence. Algorithms developed to predict the effect of missense changes on protein structure and function are either unavailable or do not agree on the potential impact of this missense change. The variant allele was found at a frequency of 4e-06 in 247920 control chromosomes. The available data on variant occurrences in the general population are insufficient to allow any conclusion about variant significance. To our knowledge, no occurrence of c.1591C>T in individuals affected with IGHMBP2-related conditions and no experimental evidence demonstrating its impact on protein function have been reported. No submitters have cited clinical-significance assessments for this variant to ClinVar. Based on the evidence outlined above, the variant was classified as uncertain significance.

NM_002180.3(IGHMBP2):c.1591C>T (p.Pro531Ser)

Genes: IGHMBP2 (immunoglobulin mu DNA binding protein 2; plus strand), LOC126861245 (CDK7 strongly-dependent group 2 enhancer GRCh37_chr11:68701479-68702678; plus strand). Cytogenetic location: 11q13.3.
Variant type: single nucleotide variant.
Coding change: c.1591C>T on transcript NM_002180.3 (MANE Select); coding-DNA position 1591, C replaced by T.
Protein change: p.Pro531Ser; replaces proline 531 with serine.
Molecular consequence: missense variant.
Genome position (GRCh38, 1-based): chr11:68,934,517, C>T. VCF-style: chr11-68934517-C-T. GRCh37 (hg19) VCF-style: chr11-68701985-C-T.
Other names: short protein forms P531S.
Identifiers: ClinVar variation 4847268 (VCV004847268.1).